The following is an entry in ClinVar:

NM_000127.3(EXT1):c.1952_1959del (p.Asn651fs)

Gene: EXT1 (exostosin glycosyltransferase 1; minus strand). Cytogenetic location: 8q24.11.
Variant type: Deletion.
Coding change: c.1952_1959del on transcript NM_000127.3 (MANE Select); coding-DNA positions 1952 to 1959, 8 bases deleted (ATTGTGAG; older notation c.1952_1959delATTGTGAG).
Protein change: p.Asn651fs; shifts the reading frame from asparagine 651.
Molecular consequence: frameshift variant.
Genome position (GRCh38, 1-based): chr8:117,804,818-117,804,825, CTCACAAT deleted on the plus strand (ATTGTGAG on the coding strand, the reverse complement: EXT1 is on the minus strand). VCF-style (leftmost placement, unchanged base first): chr8-117804817-CCTCACAAT-C. GRCh37 (hg19) VCF-style: chr8-118817056-CCTCACAAT-C.
Other names: short protein forms N651fs.
Identifiers: ClinVar variation 830046 (VCV000830046.3), dbSNP rs1586989189, ClinGen allele CA915948693.
Genomic context (GRCh38, chr8:117,804,817, plus strand): 5'-GGGTCACTTTGATTGGAGGCAATTTTGTCACAGCAGACACCAGGAAGTTCATGAGAATGT[CCTCACAAT>C]TGGCCAATTGGTCCACCATGTTCTTCAGGCTGGCTGGCAGGTAATGGGAGTATAGGTAGT-3'

ClinVar aggregate classification (germline): Pathogenic (1 of 4 stars; one submission).

Conditions:
Multiple congenital exostosis (EXT). Also called: Hereditary multiple osteochondromas; Multiple osteochondromas; Hereditary multiple exostoses; Hereditary multiple exostosis; MULTIPLE CARTILAGINOUS EXOSTOSES; Multiple exostoses. Identifiers: Orphanet 321, MedGen C0015306, MONDO:0005508, HP:0002762.

Submission:

Service de Biochimie Médicale et Biologie Moléculaire, CHU Clermont-Ferrand
Classification: Pathogenic for Exostoses, multiple, type 1. Last evaluated: 2020-02-10. Review status: criteria provided, single submitter. Criteria: ACMG Guidelines, 2015. Collection method: clinical testing. Allele origin: unknown. Inheritance: Autosomal dominant inheritance. Affected: yes. Observed: 1 heterozygote.
Comment: This sequence change creates a premature translational stop signal (p.Asn651Argfs*26) in the EXT1 gene. It is expected to result in an absent or disrupted protein product. This variant is not present in population databases (ExAC or gnomAD). Loss-of-function variants in EXT1 are known to be pathogenic (PMID: 10679937, 11391482, 19810120). For these reasons, this variant has been classified as Pathogenic